The following is an entry in ClinVar:

ClinVar aggregate classification (germline): Likely pathogenic (1 of 4 stars; one submission).

Conditions:
Autosomal recessive Alport syndrome (ATS2). Also called: Alport syndrome type 2; ALPORT SYNDROME 2, AUTOSOMAL RECESSIVE; COL4A4 Alport Syndrome and Thin Basement Membrane Nephropathy; COL4A3-Related Nephropathy. Identifiers: Orphanet 63, Orphanet 88919, MedGen C4746745, MONDO:0008762, OMIM 203780.

Submission:

3billion
Classification: Likely pathogenic for Autosomal recessive Alport syndrome. Last evaluated: 2025-02-11. Review status: criteria provided, single submitter. Criteria: ACMG Guidelines, 2015. Collection method: clinical testing. Allele origin: germline. Affected: yes.
Comment: The variant is not observed in the gnomAD v4.1.0 dataset. Predicted Consequence/Location: Frameshift: predicted to result in a loss or disruption of normal protein function through nonsense-mediated decay (NMD) or protein truncation. Multiple pathogenic variants are reported downstream of the variant. Therefore, this variant is classified as Likely pathogenic according to the recommendation of ACMG/AMP guideline.

NM_000092.5(COL4A4):c.1395del (p.Gly466fs)

Gene: COL4A4 (collagen type IV alpha 4 chain; minus strand). Cytogenetic location: 2q36.3.
Variant type: Deletion.
Coding change: c.1395del on transcript NM_000092.5 (MANE Select); coding-DNA position 1395, one base deleted (C; older notation c.1395delC).
Protein change: p.Gly466fs; shifts the reading frame from glycine 466.
Molecular consequence: frameshift variant.
Genome position (GRCh38, 1-based): chr2:227,089,932, G deleted on the plus strand (C on the coding strand, the reverse complement: COL4A4 is on the minus strand); the first of 4 consecutive G bases (chr2:227,089,932-227,089,935); deleting any one gives the same sequence. VCF-style (leftmost placement, unchanged base first): chr2-227089931-CG-C. GRCh37 (hg19) VCF-style: chr2-227954647-CG-C.
Other names: short protein forms G466fs.
Identifiers: ClinVar variation 4291918 (VCV004291918.1).